The following is an entry in ClinVar:

ClinVar aggregate classification (germline): Uncertain significance (1 of 4 stars; one submission).

Conditions:
Inborn genetic diseases. Identifiers: MedGen C0950123, MeSH D030342.

Submission:

Ambry Genetics
Classification: Uncertain significance for Inborn genetic diseases. Last evaluated: 2023-03-08. Review status: criteria provided, single submitter. Criteria: Ambry Variant Classification Scheme 2023. Collection method: clinical testing. Allele origin: germline.
Comment: The p.D519G variant (also known as c.1556A>G), located in coding exon 7 of the ATR gene, results from an A to G substitution at nucleotide position 1556. The aspartic acid at codon 519 is replaced by glycine, an amino acid with similar properties. This amino acid position is conserved. In addition, this alteration is predicted to be tolerated by in silico analysis. Since supporting evidence is limited at this time, the clinical significance of this alteration remains unclear.

NM_001184.4(ATR):c.1556A>G (p.Asp519Gly)

Gene: ATR (ATR checkpoint kinase; minus strand). Cytogenetic location: 3q23.
Variant type: single nucleotide variant.
Coding change: c.1556A>G on transcript NM_001184.4 (MANE Select); coding-DNA position 1556, A replaced by G.
Protein change: p.Asp519Gly; replaces aspartic acid 519 with glycine.
Molecular consequence: missense variant.
Genome position (GRCh38, 1-based): chr3:142,559,427, T>C on the plus strand (A>G on the coding strand, the complement: ATR is on the minus strand). VCF-style: chr3-142559427-T-C. GRCh37 (hg19) VCF-style: chr3-142278269-T-C.
Other names: c.1364A>G, p.Asp455Gly (NM_001354579.2); short protein forms D519G, D455G.
Identifiers: ClinVar variation 2447375 (VCV002447375.2), dbSNP rs2108480521, ClinGen allele CA354822463.